The following is an entry in ClinVar:

ClinVar aggregate classification (germline): Pathogenic (1 of 4 stars; one submission).

Conditions:
Tatton-Brown-Rahman overgrowth syndrome. Also called: Tall stature-intellectual disability-facial dysmorphism syndrome; Tatton-Brown-Rahman syndrome. Identifiers: Orphanet 404443, MedGen C4014545, MONDO:0014382, OMIM 615879.

Submission:

Labcorp Genetics (formerly Invitae), Labcorp
Classification: Pathogenic for Tatton-Brown-Rahman overgrowth syndrome. Last evaluated: 2025-12-15. Review status: criteria provided, single submitter. Criteria: Invitae Variant Classification Sherloc (09022015). Collection method: clinical testing. Allele origin: germline.
Comment: This sequence change creates a premature translational stop signal (p.Glu342Argfs*3) in the DNMT3A gene. It is expected to result in an absent or disrupted protein product. Loss-of-function variants in DNMT3A are known to be pathogenic (PMID: 24614070). This variant is not present in population databases (gnomAD no frequency). This variant has not been reported in the literature in individuals affected with DNMT3A-related conditions. ClinVar contains an entry for this variant (Variation ID: 3658047). For these reasons, this variant has been classified as Pathogenic.

Literature cited by the submitters: PubMed 24614070.

NM_022552.5(DNMT3A):c.1023del (p.Glu342fs)

Gene: DNMT3A (DNA methyltransferase 3 alpha; minus strand). Cytogenetic location: 2p23.3.
Variant type: Deletion.
Coding change: c.1023del on transcript NM_022552.5 (MANE Select); coding-DNA position 1023, one base deleted (T; older notation c.1023delT).
Protein change: p.Glu342fs; shifts the reading frame from glutamic acid 342.
Molecular consequence: frameshift variant. On other transcripts: non-coding transcript variant (1).
Genome position (GRCh38, 1-based): chr2:25,247,150, A deleted on the plus strand (T on the coding strand, the reverse complement: DNMT3A is on the minus strand); the first of 2 consecutive A bases (chr2:25,247,150-25,247,151); deleting either gives the same sequence. VCF-style (leftmost placement, unchanged base first): chr2-25247149-CA-C. GRCh37 (hg19) VCF-style: chr2-25470018-CA-C.
Other names: c.567del, p.Glu190fs (NM_001320893.1); c.354del, p.Glu119fs (NM_001375819.1); c.456del, p.Glu153fs (NM_153759.3); c.1023del, p.Glu342fs (NM_175629.2); short protein forms E190fs, E119fs, E342fs, E153fs.
Identifiers: ClinVar variation 3658047 (VCV003658047.2).